The following is an entry in ClinVar:

ClinVar aggregate classification (germline): Pathogenic (1 of 4 stars; one submission).

Conditions:
Familial cancer of breast. Also called: BREAST CANCER, FAMILIAL; Hereditary breast cancer; hereditary breast carcinoma. Identifiers: Orphanet 227535, MedGen C0346153, MONDO:0016419, OMIM 114480. Disease mechanism: loss of function.

Submission:

Labcorp Genetics (formerly Invitae), Labcorp
Classification: Pathogenic for Familial cancer of breast. Last evaluated: 2022-02-18. Review status: criteria provided, single submitter. Criteria: Invitae Variant Classification Sherloc (09022015). Collection method: clinical testing. Allele origin: germline.
Comment: This sequence change creates a premature translational stop signal (p.Ser896Leufs*27) in the PALB2 gene. It is expected to result in an absent or disrupted protein product. Loss-of-function variants in PALB2 are known to be pathogenic (PMID: 17200668, 17200671, 17200672, 24136930, 25099575). This variant is not present in population databases (gnomAD no frequency). This variant has not been reported in the literature in individuals affected with PALB2-related conditions. Algorithms developed to predict the effect of sequence changes on RNA splicing suggest that this variant may create or strengthen a splice site. For these reasons, this variant has been classified as Pathogenic.

Literature cited by the submitters: PubMed 17200668; PubMed 17200671; PubMed 17200672; PubMed 24136930; PubMed 25099575.

NM_024675.4(PALB2):c.2686del (p.Ser896fs)

Gene: PALB2 (partner and localizer of BRCA2; minus strand). Cytogenetic location: 16p12.2.
Variant type: Deletion.
Coding change: c.2686del on transcript NM_024675.4 (MANE Select); coding-DNA position 2686, one base deleted (T; older notation c.2686delT).
Protein change: p.Ser896fs; shifts the reading frame from serine 896.
Molecular consequence: frameshift variant.
Genome position (GRCh38, 1-based): chr16:23,626,298, A deleted on the plus strand (T on the coding strand, the reverse complement: PALB2 is on the minus strand); the first of 3 consecutive A bases (chr16:23,626,298-23,626,300); deleting any one gives the same sequence. VCF-style (leftmost placement, unchanged base first): chr16-23626297-GA-G. GRCh37 (hg19) VCF-style: chr16-23637618-GA-G.
Other names: short protein forms S896fs.
Identifiers: ClinVar variation 1451729 (VCV001451729.7), dbSNP rs1555459954, ClinGen allele CA2573152183.